The following is an entry in ClinVar:

ClinVar aggregate classification (germline): Uncertain significance (1 of 4 stars; one submission).

Submission:

Labcorp Genetics (formerly Invitae), Labcorp
Classification: Uncertain significance. Last evaluated: 2025-02-10. Review status: criteria provided, single submitter. Criteria: Invitae Variant Classification Sherloc (09022015). Collection method: clinical testing. Allele origin: germline.
Comment: This variant, c.1602_1607dup, results in the insertion of 2 amino acid(s) of the TCF3 protein (p.Glu534_Asp535dup), but otherwise preserves the integrity of the reading frame. This variant is present in population databases (rs765808837, gnomAD 0.008%). This variant has not been reported in the literature in individuals affected with TCF3-related conditions. Experimental studies and prediction algorithms are not available or were not evaluated, and the functional significance of this variant is currently unknown. In summary, the available evidence is currently insufficient to determine the role of this variant in disease. Therefore, it has been classified as a Variant of Uncertain Significance.

NM_003200.5(TCF3):c.1596GGACGA[3] (p.Asp535_Asp536insGluAsp)

Gene: TCF3 (transcription factor 3; minus strand). Cytogenetic location: 19p13.3.
Variant type: Microsatellite.
Coding change: c.1596GGACGA[3] on transcript NM_003200.5 (MANE Select); three copies in a row of the 6-base unit GGACGA starting at c.1596; the reference has two copies in a row; one copy, 6 bases duplicated.
Protein change: p.Asp535_Asp536insGluAsp.
Molecular consequence: inframe insertion. On other transcripts: intron variant (2).
Genome position (GRCh38, 1-based): chr19:1,615,500-1,615,505, TCGTCC duplicated on the plus strand (GGACGA on the coding strand, the reverse complement: TCF3 is on the minus strand); duplicating any 6 consecutive bases within chr19:1,615,500-1,615,516 gives the same sequence; the position shown is the placement nearest the transcript's 3' end. VCF-style (leftmost placement, unchanged base first): chr19-1615499-G-GTCGTCC. GRCh37 (hg19) VCF-style: chr19-1615498-G-GTCGTCC.
Other names: c.1593GGACGA[3], p.Asp534_Asp535insGluAsp (NM_001351778.2); c.1586+175GGACGA[3] (NM_001136139.4, NM_001351779.2).
Identifiers: ClinVar variation 2142336 (VCV002142336.4), dbSNP rs765808837, ClinGen allele CA9049680.
Genomic context (GRCh38, chr19:1,615,499, plus strand): 5'-GGCGTTATTGGCCACCCGGCGCTCCTTCTCCCGCTCGGCCTTCTGCTCTGGGGGGAGAAG[G>GTCGTCC]TCGTCCTCGTCCTCGTCTGGGCTATGGGGAGGGCGCCGGGAGGGGGCCAGAGGGAGACAG-3'